The following is an entry in ClinVar:

ClinVar aggregate classification (germline): Likely pathogenic (0 of 4 stars; one submission).

Conditions:
MYH2-related disorder. Also called: MYH2-related condition.

Submission:

PreventionGenetics, part of Exact Sciences
Classification: Likely pathogenic for MYH2-related condition. Last evaluated: 2024-06-20. Review status: no assertion criteria provided. Collection method: clinical testing. Allele origin: germline.
Comment: The MYH2 c.2161delT variant is predicted to result in a frameshift and premature protein termination (p.Tyr721Metfs*11). To our knowledge, this variant has not been reported in the literature or in a large population database, indicating this variant is rare. Frameshift variants in MYH2 are expected to be pathogenic. This variant is interpreted as likely pathogenic.

NM_017534.6(MYH2):c.2161del (p.Tyr721fs)

Genes: MYH2 (myosin heavy chain 2; minus strand), MYHAS (myosin heavy chain gene cluster antisense RNA; plus strand). Cytogenetic location: 17p13.1.
Variant type: Deletion.
Coding change: c.2161del on transcript NM_017534.6 (MANE Select); coding-DNA position 2161, one base deleted (T; older notation c.2161delT).
Protein change: p.Tyr721fs; shifts the reading frame from tyrosine 721.
Molecular consequence: frameshift variant.
Genome position (GRCh38, 1-based): chr17:10,535,092, A deleted on the plus strand (T on the coding strand, the reverse complement: MYH2 is on the minus strand); the first of 3 consecutive A bases (chr17:10,535,092-10,535,094); deleting any one gives the same sequence. VCF-style (leftmost placement, unchanged base first): chr17-10535091-TA-T. GRCh37 (hg19) VCF-style: chr17-10438408-TA-T.
Other names: c.2161del, p.Tyr721fs (NM_001100112.2); short protein forms Y721fs.
Identifiers: ClinVar variation 3356436 (VCV003356436.1).